The following is an entry in ClinVar:

ClinVar aggregate classification (germline): Likely benign (0 of 4 stars; one submission).

Conditions:
DHX30-related disorder. Also called: DHX30-related condition.

gnomAD v4.1: 45 of 1,613,950 alleles (0.0028%); highest among the groups gnomAD compares: Non-Finnish European, 0.0034%; no homozygotes.

Submission:

PreventionGenetics, part of Exact Sciences
Classification: Likely benign for DHX30-related condition. Last evaluated: 2024-06-27. Review status: no assertion criteria provided. Collection method: clinical testing. Allele origin: germline.
Comment: This variant is classified as likely benign based on ACMG/AMP sequence variant interpretation guidelines (Richards et al. 2015 PMID: 25741868, with internal and published modifications).

NM_138615.3(DHX30):c.1278G>A (p.Pro426=)

Gene: DHX30 (DExH-box helicase 30; plus strand). Cytogenetic location: 3p21.31.
Variant type: single nucleotide variant.
Coding change: c.1278G>A on transcript NM_138615.3 (MANE Select); coding-DNA position 1278, G replaced by A.
Protein change: p.Pro426=; no amino-acid change (proline 426 retained).
Molecular consequence: synonymous variant.
Genome position (GRCh38, 1-based): chr3:47,846,350, G>A. VCF-style: chr3-47846350-G-A. GRCh37 (hg19) VCF-style: chr3-47887840-G-A.
Other names: c.1194G>A, p.Pro398= (NM_001330990.2); c.1161G>A, p.Pro387= (NM_014966.4).
Identifiers: ClinVar variation 3352776 (VCV003352776.1).